The following is an entry in ClinVar:

NM_001134831.2(AHI1):c.135+184C>G

Gene: AHI1 (Abelson helper integration site 1; minus strand). Cytogenetic location: 6q23.3.
Variant type: single nucleotide variant.
Coding change: c.135+184C>G on transcript NM_001134831.2 (MANE Select); 184 bases into the intron after coding-DNA position 135, C replaced by G.
Molecular consequence: intron variant.
Genome position (GRCh38, 1-based): chr6:135,490,439, G>C on the plus strand (C>G on the coding strand, the complement: AHI1 is on the minus strand). VCF-style: chr6-135490439-G-C. GRCh37 (hg19) VCF-style: chr6-135811577-G-C.
Other names: c.135+184C>G (NM_001134830.2, NM_001350503.2, NM_017651.5 and 2 more transcripts).
Identifiers: ClinVar variation 678289 (VCV000678289.1), dbSNP rs17064588, ClinGen allele CA148124115.

ClinVar aggregate classification (germline): Benign (1 of 4 stars; one submission).

Allele frequency attached by ClinVar (database versions not stated): gnomAD 0.02424 and 0.02245; 1000 Genomes Project 30x 0.02483; TOPMed 0.02616; 1000 Genomes Project 0.02356.
gnomAD v4.1: 4,949 of 712,472 alleles (0.69%); highest among the groups gnomAD compares: African/African-American, 7.8%; 178 homozygotes.

Submission:

GeneDx
Classification: Benign. Last evaluated: 2018-06-16. Review status: criteria provided, single submitter. Criteria: GeneDx Variant Classification (06012015). Collection method: clinical testing. Allele origin: germline. Affected: yes.
Comment: This variant is considered likely benign or benign based on one or more of the following criteria: it is a conservative change, it occurs at a poorly conserved position in the protein, it is predicted to be benign by multiple in silico algorithms, and/or has population frequency not consistent with disease.